The following is an entry in ClinVar:

ClinVar aggregate classification (germline): Conflicting classifications of pathogenicity. Review status: criteria provided, conflicting classifications (1 of 4 stars). 4 submissions from 4 submitters: Pathogenic (1); Likely pathogenic (1); Uncertain significance (1). 1 of the submissions does not count toward it. Last evaluated 2025-09-20.

Conditions:
Inborn genetic diseases. Identifiers: MedGen C0950123, MeSH D030342.
Charcot-Marie-Tooth disease. Also called: Charcot-Marie-Tooth Hereditary Neuropathy; Charcot-Marie-Tooth Neuropathy. Identifiers: Orphanet 166, MedGen C0007959, MONDO:0015626.
Charcot-Marie-Tooth Neuropathy X. Identifiers: MedGen CN118851.

Submissions (4):

Labcorp Genetics (formerly Invitae), Labcorp
Classification: Pathogenic for Charcot-Marie-Tooth Neuropathy X. Last evaluated: 2025-09-20. Review status: criteria provided, single submitter. Criteria: Invitae Variant Classification Sherloc (09022015). Collection method: clinical testing. Allele origin: germline.
Comment: This sequence change replaces proline, which is neutral and non-polar, with alanine, which is neutral and non-polar, at codon 70 of the GJB1 protein (p.Pro70Ala). This variant is not present in population databases (gnomAD no frequency). This missense change has been observed in individuals with Charcot-Marie-Tooth disease type 1X (PMID: 10873293, 21692908; internal data). It has also been observed to segregate with disease in related individuals. ClinVar contains an entry for this variant (Variation ID: 237122). Invitae Evidence Modeling of protein sequence and biophysical properties (such as structural, functional, and spatial information, amino acid conservation, physicochemical variation, residue mobility, and thermodynamic stability) indicates that this missense variant is expected to disrupt GJB1 protein function with a positive predictive value of 95%. For these reasons, this variant has been classified as Pathogenic.

Ambry Genetics
Classification: Uncertain significance for Inborn genetic diseases. Last evaluated: 2023-10-12. Review status: criteria provided, single submitter. Criteria: Ambry Variant Classification Scheme 2023. Collection method: clinical testing. Allele origin: germline.
Comment: The c.208C>G (p.P70A) alteration is located in coding exon 1 of the GJB1 gene. This alteration results from a C to G substitution at nucleotide position 208, causing the proline (P) at amino acid position 70 to be replaced by an alanine (A). This variant was not reported in population-based cohorts in the Genome Aggregation Database (gnomAD). This variant has been reported in multiple unrelated families with a diagnosis of Charcot-Marie-Tooth disease (Siskind, 2011; Ionasescu, 1998). This amino acid position is highly conserved in available vertebrate species. This alteration is predicted to be deleterious by in silico analysis. Based on insufficient or conflicting evidence, the clinical significance of this alteration remains unclear.

GeneDx
Classification: Likely pathogenic. Last evaluated: 2019-04-08. Review status: criteria provided, single submitter. Criteria: GeneDx Variant Classification Process June 2021. Collection method: clinical testing. Allele origin: germline. Affected: yes.
Comment: Identified in 2 unrelated families with a mild Charcot-Marie-Tooth 1X phenotype (Ionasescu et al., 1998; Siskind et al., 2011).; Not observed in large population cohorts (Lek et al., 2016); In silico analysis, which includes protein predictors and evolutionary conservation, supports a deleterious effect; The majority of missense variants in this gene are considered pathogenic; This variant is associated with the following publications: (PMID: 21291455, 21692908, 10873293)

Inherited Neuropathy Consortium
Classification: Uncertain significance for Charcot-Marie-Tooth disease. Review status: no assertion criteria provided. Collection method: literature only. Allele origin: germline. Affected: yes. Not counted in ClinVar's aggregate classification.

Literature cited by the submitters: PubMed 10873293 (cited by 3 submitters); PubMed 21692908 (cited by Labcorp Genetics (formerly Invitae), Labcorp and Ambry Genetics).

NM_000166.6(GJB1):c.208C>G (p.Pro70Ala)

Gene: GJB1 (gap junction protein beta 1; plus strand). Cytogenetic location: Xq13.1.
Variant type: single nucleotide variant.
Coding change: c.208C>G on transcript NM_000166.6 (MANE Select); coding-DNA position 208, C replaced by G.
Protein change: p.Pro70Ala; replaces proline 70 with alanine.
Molecular consequence: missense variant.
Genome position (GRCh38, 1-based): chrX:71,223,915, C>G. VCF-style: chrX-71223915-C-G. GRCh37 (hg19) VCF-style: chrX-70443765-C-G.
Other names: c.208C>G, p.Pro70Ala (NM_001097642.3); short protein forms P70A.
Identifiers: ClinVar variation 237122 (VCV000237122.13), dbSNP rs878853697, ClinGen allele CA10583953.